The following is an entry in ClinVar:

NM_000277.3(PAH):c.365_366delinsT (p.Pro122fs)

Gene: PAH (phenylalanine hydroxylase; minus strand). Cytogenetic location: 12q23.2.
Variant type: Indel.
Coding change: c.365_366delinsT on transcript NM_000277.3 (MANE Select); coding-DNA positions 365 to 366, CA replaced by T.
Protein change: p.Pro122fs; shifts the reading frame from proline 122.
Molecular consequence: frameshift variant.
Genome position (GRCh38, 1-based): chr12:102,877,537-102,877,538, TG replaced by A on the plus strand (CA replaced by T on the coding strand, the reverse complement: PAH is on the minus strand). VCF-style: chr12-102877537-TG-A. GRCh37 (hg19) VCF-style: chr12-103271315-TG-A.
Other names: c.365_366delinsT, p.Pro122fs (NM_001354304.2); short protein forms P122fs.
Identifiers: ClinVar variation 1726935 (VCV001726935.2), dbSNP rs2499496098, ClinGen allele CA2580085684.

ClinVar aggregate classification (germline): Likely pathogenic (1 of 4 stars; one submission).

Conditions:
Phenylketonuria (PKU). Also called: Phenylketonurias; FOLLING DISEASE; Phenylketonuria (PKU); OLIGOPHRENIA PHENYLPYRUVICA. Identifiers: Orphanet 716, MedGen C0031485, MONDO:0009861, OMIM 261600. Disease mechanism: loss of function.

Submission:

Myriad Genetics, Inc.
Classification: Likely pathogenic for Phenylketonuria. Last evaluated: 2022-01-02. Review status: criteria provided, single submitter. Criteria: Myriad Women's Health Autosomal Recessive and X-Linked Classification Criteria (2021). Collection method: clinical testing. Allele origin: unknown.
Comment: NM_000277.1(PAH):c.365_366delCAinsT(P122Lfs*73) is expected to be pathogenic in the context of phenylalanine hydroxylase deficiency. This variant is predicted to lead to an abnormal or absent protein product due to the creation of a premature termination codon in PAH, a gene where loss-of-function variants are known to be pathogenic. Please note: this variant was assessed in the context of healthy population screening.